The following is an entry in ClinVar:

NM_152383.5(DIS3L2):c.1261T>A (p.Ser421Thr)

Gene: DIS3L2 (DIS3 like 3'-5' exoribonuclease 2; plus strand). Cytogenetic location: 2q37.1.
Variant type: single nucleotide variant.
Coding change: c.1261T>A on transcript NM_152383.5 (MANE Select); coding-DNA position 1261, T replaced by A.
Protein change: p.Ser421Thr; replaces serine 421 with threonine.
Molecular consequence: missense variant. On other transcripts: non-coding transcript variant (2).
Genome position (GRCh38, 1-based): chr2:232,238,589, T>A. VCF-style: chr2-232238589-T-A. GRCh37 (hg19) VCF-style: chr2-233103299-T-A.
Other names: c.1261T>A, p.Ser421Thr (NM_001257281.2); short protein forms S421T.
Identifiers: ClinVar variation 847086 (VCV000847086.9), dbSNP rs1692997664, ClinGen allele CA351154674.

ClinVar aggregate classification (germline): Uncertain significance (1 of 4 stars; one submission).

Conditions:
Perlman syndrome (PRLMNS). Identifiers: Orphanet 2849, MedGen C0796113, MONDO:0009965, OMIM 267000.

Submission:

Labcorp Genetics (formerly Invitae), Labcorp
Classification: Uncertain significance for Perlman syndrome. Last evaluated: 2024-04-08. Review status: criteria provided, single submitter. Criteria: Invitae Variant Classification Sherloc (09022015). Collection method: clinical testing. Allele origin: germline.
Comment: This sequence change replaces serine, which is neutral and polar, with threonine, which is neutral and polar, at codon 421 of the DIS3L2 protein (p.Ser421Thr). This variant is not present in population databases (gnomAD no frequency). This variant has not been reported in the literature in individuals affected with DIS3L2-related conditions. ClinVar contains an entry for this variant (Variation ID: 847086). Advanced modeling of protein sequence and biophysical properties (such as structural, functional, and spatial information, amino acid conservation, physicochemical variation, residue mobility, and thermodynamic stability) performed at Invitae indicates that this missense variant is not expected to disrupt DIS3L2 protein function with a negative predictive value of 80%. In summary, the available evidence is currently insufficient to determine the role of this variant in disease. Therefore, it has been classified as a Variant of Uncertain Significance.